The following is an entry in ClinVar:

ClinVar aggregate classification (germline): Likely benign. Review status: criteria provided, single submitter (1 of 4 stars). 2 submissions from 2 submitters: Likely benign (1). 1 of the submissions does not count toward it. Last evaluated 2024-03-12.

Conditions:
CEP152-related disorder. Also called: CEP152-related disorders; CEP152-related condition. Identifiers: MedGen CN239248.

Allele frequency attached by ClinVar (database versions not stated): gnomAD exomes 0.00001; ExAC 0.00002; TOPMed 0.00003; gnomAD 0.00005; ESP Exome Variant Server 0.00016; 1000 Genomes Project 0.00020; 1000 Genomes Project 30x 0.00031.
gnomAD v4.1: 18 of 1,613,974 alleles (0.0011%); highest among the groups gnomAD compares: African/African-American, 0.02%; no homozygotes.

Submissions (2):

Labcorp Genetics (formerly Invitae), Labcorp
Classification: Likely benign. Last evaluated: 2024-03-12. Review status: criteria provided, single submitter. Criteria: Invitae Variant Classification Sherloc (09022015). Collection method: clinical testing. Allele origin: germline.

PreventionGenetics, part of Exact Sciences
Classification: Likely benign for CEP152-related condition. Last evaluated: 2023-01-21. Review status: no assertion criteria provided. Collection method: clinical testing. Allele origin: germline. Not counted in ClinVar's aggregate classification.
Comment: This variant is classified as likely benign based on ACMG/AMP sequence variant interpretation guidelines (Richards et al. 2015 PMID: 25741868, with internal and published modifications).

NM_001194998.2(CEP152):c.1377A>T (p.Ala459=)

Gene: CEP152 (centrosomal protein 152; minus strand). Cytogenetic location: 15q21.1.
Variant type: single nucleotide variant.
Coding change: c.1377A>T on transcript NM_001194998.2 (MANE Select); coding-DNA position 1377, A replaced by T.
Protein change: p.Ala459=; no amino-acid change (alanine 459 retained).
Molecular consequence: synonymous variant.
Genome position (GRCh38, 1-based): chr15:48,782,175, T>A on the plus strand (A>T on the coding strand, the complement: CEP152 is on the minus strand). VCF-style: chr15-48782175-T-A. GRCh37 (hg19) VCF-style: chr15-49074372-T-A.
Other names: c.1377A>T (NM_001194998.1); c.1377A>T, p.Ala459= (NM_014985.4).
Identifiers: ClinVar variation 2718704 (VCV002718704.5), dbSNP rs372571966, ClinGen allele CA7548859.
Genomic context (GRCh38, chr15:48,782,175, plus strand): 5'-CCTCTTCCAAGTGGCAACACTCACTTGCAAAGCCTTGTTCATGTTTGCACTCATAGCATG[T>A]GCCTTCTGTGCTTGCTGCAGCTGGAACTGTAGCTGAGCCACCTCTTGTACTGACCCTGCA-3'
Protein context (NP_001181927.1, residues 449-469): LQFQLQQAQK[Ala459=]HAMSANMNKA